The following is an entry in ClinVar:

NM_004333.6(BRAF):c.3G>A (p.Met1Ile)

Gene: BRAF (B-Raf proto-oncogene, serine/threonine kinase; minus strand). Cytogenetic location: 7q34.
Variant type: single nucleotide variant.
Coding change: c.3G>A on transcript NM_004333.6 (MANE Select); coding-DNA position 3, G replaced by A.
Protein change: p.Met1Ile; changes the start codon (methionine 1).
Molecular consequence: missense variant, initiator codon variant.
Genome position (GRCh38, 1-based): chr7:140,924,701, C>T on the plus strand (G>A on the coding strand, the complement: BRAF is on the minus strand). VCF-style: chr7-140924701-C-T. GRCh37 (hg19) VCF-style: chr7-140624501-C-T.
Other names: c.3G>A, p.Met1Ile (NM_001378469.1, NM_001378470.1, NM_001378471.1 and 7 more transcripts); short protein forms M1I.
Identifiers: ClinVar variation 4881287 (VCV004881287.2).

ClinVar aggregate classification (germline): Uncertain significance (1 of 4 stars; one submission).

Submission:

Dasa
Classification: Uncertain significance. Last evaluated: 2025-01-24. Review status: criteria provided, single submitter. Criteria: DASA Assertion Criteria. Collection method: clinical testing. Allele origin: germline.
Comment: NM_004333.6(BRAF):c.3G>A (p.Met1?) is a start-loss variant predicted to alter the translation initiation codon and impair normal protein translation. This variant is absent from population databases. The currently available literature and clinical evidence are not sufficient to establish a definitive association between this variant and the reported condition. Therefore, this variant is classified as a variant of uncertain significance.